The following is an entry in ClinVar:

NM_001048166.1(STIL):c.1136C>T (p.Ser379Phe)

Gene: STIL (STIL centriolar assembly protein; minus strand). Cytogenetic location: 1p33.
Variant type: single nucleotide variant.
Coding change: c.1136C>T on transcript NM_001048166.1 (MANE Select); coding-DNA position 1136, C replaced by T.
Protein change: p.Ser379Phe; replaces serine 379 with phenylalanine.
Molecular consequence: missense variant.
Genome position (GRCh38, 1-based): chr1:47,282,457, G>A on the plus strand (C>T on the coding strand, the complement: STIL is on the minus strand). VCF-style: chr1-47282457-G-A. GRCh37 (hg19) VCF-style: chr1-47748129-G-A.
Other names: c.1136C>T, p.Ser379Phe (NM_001282936.1, NM_001282937.1, NM_003035.2); c.995C>T, p.Ser332Phe (NM_001282938.1, NM_001282939.1); short protein forms S379F, S332F.
Identifiers: ClinVar variation 160049 (VCV000160049.53), dbSNP rs149185431, ClinGen allele CA239544.

ClinVar aggregate classification (germline): Conflicting classifications of pathogenicity. Review status: criteria provided, conflicting classifications (1 of 4 stars). 9 submissions from 9 submitters: Uncertain significance (4); Benign (1); Likely benign (4). Last evaluated 2026-04-01.

Conditions:
Microcephaly 7, primary, autosomal recessive. Identifiers: Orphanet 2512, MedGen C2675187, MONDO:0012989, OMIM 612703.

Allele frequency attached by ClinVar (database versions not stated): 1000 Genomes Project 30x 0.00047; 1000 Genomes Project 0.00060; gnomAD exomes 0.00225 and 0.00346; ExAC 0.00242; TOPMed 0.00246; gnomAD 0.00247 and 0.00258; ESP Exome Variant Server 0.00292.
gnomAD v4.1: 5,347 of 1,598,892 alleles (0.33%); highest among the groups gnomAD compares: Non-Finnish European, 0.42%; 10 homozygotes.

Submissions (9):

CeGaT Center for Human Genetics Tuebingen
Classification: Likely benign. Last evaluated: 2026-04-01. Review status: criteria provided, single submitter. Criteria: CeGaT Center For Human Genetics Tuebingen Variant Classification Criteria Version 2. Collection method: clinical testing. Allele origin: germline. Affected: yes. Observed: 18 variant alleles.
Comment: STIL: BP4, BP5

Labcorp Genetics (formerly Invitae), Labcorp
Classification: Likely benign. Last evaluated: 2026-01-14. Review status: criteria provided, single submitter. Criteria: Invitae Variant Classification Sherloc (09022015). Collection method: clinical testing. Allele origin: germline.

Blueprint Genetics
Classification: Uncertain significance. Last evaluated: 2024-11-20. Review status: criteria provided, single submitter. Criteria: ACMG Guidelines, 2015. Collection method: clinical testing. Allele origin: germline.

GeneDx
Classification: Likely benign. Last evaluated: 2021-01-21. Review status: criteria provided, single submitter. Criteria: GeneDx Variant Classification Process June 2021. Collection method: clinical testing. Allele origin: germline. Affected: yes.
Comment: This variant is associated with the following publications: (PMID: 26548919, 23772360)

Athena Diagnostics
Classification: Likely benign. Last evaluated: 2019-12-30. Review status: criteria provided, single submitter. Criteria: Athena Diagnostics Criteria. Collection method: clinical testing. Allele origin: unknown.

Fulgent Genetics
Classification: Uncertain significance for Microcephaly 7, primary, autosomal recessive. Last evaluated: 2017-05-23. Review status: criteria provided, single submitter. Criteria: ACMG Guidelines, 2015. Collection method: clinical testing. Allele origin: unknown.

Illumina Laboratory Services, Illumina
Classification: Uncertain significance for Microcephaly 7, primary, autosomal recessive. Last evaluated: 2017-04-27. Review status: criteria provided, single submitter. Criteria: ICSL Variant Classification Criteria 13 December 2019. Collection method: clinical testing. Allele origin: germline.

Eurofins Ntd Llc (ga)
Classification: Benign. Last evaluated: 2016-11-16. Review status: criteria provided, single submitter. Criteria: EGL Classification Definitions 2015. Collection method: clinical testing. Allele origin: germline. Observed: 2 variant alleles, 2 heterozygotes.

Genetic Services Laboratory, University of Chicago
Classification: Uncertain significance for Microcephaly 7, primary, autosomal recessive. Last evaluated: 2012-12-28. Review status: criteria provided, single submitter. Criteria: ACMG Guidelines, 2007. Collection method: clinical testing. Allele origin: germline. Inheritance: Autosomal recessive inheritance.

Literature cited by the submitters: PubMed 26548919 (cited by Athena Diagnostics); PubMed 23772360 (cited by Athena Diagnostics).